The following is an entry in ClinVar:

NM_003072.5(SMARCA4):c.196C>G (p.Gln66Glu)

Gene: SMARCA4 (SWI/SNF related BAF chromatin remodeling complex subunit ATPase 4; plus strand). Cytogenetic location: 19p13.2.
Variant type: single nucleotide variant.
Coding change: c.196C>G on transcript NM_003072.5 (MANE Select); coding-DNA position 196, C replaced by G.
Protein change: p.Gln66Glu; replaces glutamine 66 with glutamic acid.
Molecular consequence: missense variant. On other transcripts: non-coding transcript variant (1).
Genome position (GRCh38, 1-based): chr19:10,984,347, C>G. VCF-style: chr19-10984347-C-G. GRCh37 (hg19) VCF-style: chr19-11095023-C-G.
Other names: c.196C>G, p.Gln66Glu (NM_001128844.3, NM_001128845.2, NM_001128846.2 and 6 more transcripts); short protein forms Q66E.
Identifiers: ClinVar variation 5029815 (VCV005029815.1).

ClinVar aggregate classification (germline): Uncertain significance (1 of 4 stars; one submission).

Conditions:
Hereditary cancer-predisposing syndrome. Also called: Neoplastic Syndromes, Hereditary; Tumor predisposition; Hereditary neoplastic syndrome; Hereditary Cancer Syndrome. Identifiers: Orphanet 140162, MedGen C0027672, MeSH D009386, MONDO:0015356.

Submission:

Ambry Genetics
Classification: Uncertain significance for Hereditary cancer-predisposing syndrome. Last evaluated: 2026-06-18. Review status: criteria provided, single submitter. Criteria: Ambry Variant Classification Scheme 2023. Collection method: clinical testing. Allele origin: germline.
Comment: The p.Q66E variant (also known as c.196C>G), located in coding exon 1 of the SMARCA4 gene, results from a C to G substitution at nucleotide position 196. The glutamine at codon 66 is replaced by glutamic acid, an amino acid with highly similar properties. This amino acid position is conserved. In addition, the in silico prediction for this alteration is inconclusive. Based on the available evidence, the clinical significance of this variant remains unclear.